The following is an entry in ClinVar:

NM_001017365.3(C4BPB):c.410-12C>T

Gene: C4BPB (complement component 4 binding protein beta; plus strand). Cytogenetic location: 1q32.1.
Variant type: single nucleotide variant.
Coding change: c.410-12C>T on transcript NM_001017365.3 (MANE Select); 12 bases into the intron before coding-DNA position 410, C replaced by T.
Molecular consequence: intron variant.
Genome position (GRCh38, 1-based): chr1:207,096,510, C>T. VCF-style: chr1-207096510-C-T. GRCh37 (hg19) VCF-style: chr1-207269855-C-T.
Other names: c.407-12C>T (NM_001017366.3, NM_001017364.1); c.410-12C>T (NM_000716.3, NM_001017367.1).
Identifiers: ClinVar variation 402447 (VCV000402447.5), dbSNP rs56054349, ClinGen allele CA1367302.

ClinVar aggregate classification (germline): Benign. Review status: criteria provided, multiple submitters, no conflicts (2 of 4 stars). 2 submissions from 2 submitters: Benign (2). Last evaluated 2016-03-28.

Allele frequency attached by ClinVar (database versions not stated): gnomAD exomes 0.00158 and 0.00378; ExAC 0.00475; gnomAD 0.01285 and 0.01370; 1000 Genomes Project 0.01398; TOPMed 0.01404; 1000 Genomes Project 30x 0.01499; ESP Exome Variant Server 0.01584.
gnomAD v4.1: 4,232 of 1,533,108 alleles (0.28%); highest among the groups gnomAD compares: African/African-American, 4.3%; 83 homozygotes.

Submissions (2):

Laboratory for Molecular Medicine, Mass General Brigham Personalized Medicine
Classification: Benign. Last evaluated: 2016-03-28. Review status: criteria provided, single submitter. Criteria: LMM Criteria. Collection method: clinical testing. Allele origin: germline.
Comment: Variant identified in a genome or exome case(s) and assessed due to predicted null impact of the variant or pathogenic assertions in the literature or databases. Disclaimer: This variant has not undergone full assessment. The following are preliminary notes: Frequency, no change to splice consensus

Breakthrough Genomics
Classification: Benign. Review status: criteria provided, single submitter. Criteria: ACMG Guidelines, 2015. Collection method: not provided. Allele origin: germline. Inheritance: Unknown mechanism. Affected: yes.